The following is an entry in ClinVar:

ClinVar aggregate classification (germline): Likely benign. Review status: criteria provided, multiple submitters, no conflicts (2 of 4 stars). 2 submissions from 2 submitters: Likely benign (2). Last evaluated 2025-11-04.

Conditions:
PEX1-related disorder. Also called: PEX1-related condition.
Zellweger spectrum disorders (ZS). Also called: Zellweger Spectrum Disorder; Zellweger Spectrum; Zellweger syndrome; Zellweger Spectrum Disorder (ZSD). Identifiers: Orphanet 912, MedGen C0043459, MONDO:0019609.

Allele frequency attached by ClinVar (database versions not stated): ExAC 0.00001; gnomAD 0.00001; gnomAD exomes 0.00001 and 0.00002; TOPMed 0.00001; ESP Exome Variant Server 0.00008.
gnomAD v4.1: 37 of 1,600,874 alleles (0.0023%); highest among the groups gnomAD compares: Non-Finnish European, 0.003%; no homozygotes.

Submissions (2):

PreventionGenetics, part of Exact Sciences
Classification: Likely benign for PEX1-related condition. Last evaluated: 2025-11-04. Review status: criteria provided, single submitter. Criteria: ACMG Guidelines, 2015. Collection method: clinical testing. Allele origin: germline.
Comment: This variant is classified as likely benign based on ACMG/AMP sequence variant interpretation guidelines (Richards et al. 2015 PMID: 25741868, with internal and published modifications).

Labcorp Genetics (formerly Invitae), Labcorp
Classification: Likely benign for Zellweger spectrum disorders. Last evaluated: 2024-11-22. Review status: criteria provided, single submitter. Criteria: Invitae Variant Classification Sherloc (09022015). Collection method: clinical testing. Allele origin: germline.

NM_000466.3(PEX1):c.3030+7A>G

Genes: GATAD1 (GATA zinc finger domain containing 1; plus strand), PEX1 (peroxisomal biogenesis factor 1; minus strand). Cytogenetic location: 7q21.2.
Variant type: single nucleotide variant.
Coding change: c.3030+7A>G on transcript NM_000466.3 (MANE Select); 7 bases into the intron after coding-DNA position 3030, A replaced by G.
Molecular consequence: intron variant.
Genome position (GRCh38, 1-based): chr7:92,494,286, T>C on the plus strand (A>G on the coding strand, the complement: PEX1 is on the minus strand). VCF-style: chr7-92494286-T-C. GRCh37 (hg19) VCF-style: chr7-92123600-T-C.
Other names: c.2859+7A>G (NM_001282677.2); c.2406+7A>G (NM_001282678.2); c.3030+7A>G (NM_000466.2).
Identifiers: ClinVar variation 1077298 (VCV001077298.10), dbSNP rs373933048, ClinGen allele CA4340935.
Genomic context (GRCh38, chr7:92,494,286, plus strand): 5'-AAGTAAAGCTCACAAGGAAAGAGTGTAGCATTTGTTGGGTTTTGGACTCTAAATATGAAA[T>C]TGTCACCTGATCAGGAGGAGGACAGTATACACATTTATCTAGTCGACCAGGCCTAAGCAG-3'